The following is an entry in ClinVar:

NM_020207.7(ERCC6L2):c.1559G>A (p.Cys520Tyr)

Gene: ERCC6L2 (ERCC excision repair 6 like 2; plus strand). Cytogenetic location: 9q22.32.
Variant type: single nucleotide variant.
Coding change: c.1559G>A on transcript NM_020207.7 (MANE Select); coding-DNA position 1559, G replaced by A.
Protein change: p.Cys520Tyr; replaces cysteine 520 with tyrosine.
Molecular consequence: missense variant. On other transcripts: non-coding transcript variant (1).
Genome position (GRCh38, 1-based): chr9:95,928,104, G>A. VCF-style: chr9-95928104-G-A. GRCh37 (hg19) VCF-style: chr9-98690386-G-A.
Other names: c.1559G>A, p.Cys520Tyr (NM_001010895.4, NM_001375291.1, NM_001375292.1 and 2 more transcripts); short protein forms C520Y.
Identifiers: ClinVar variation 5036089 (VCV005036089.1).

ClinVar aggregate classification (germline): Uncertain significance (1 of 4 stars; one submission).

Conditions:
Inborn genetic diseases. Identifiers: MedGen C0950123, MeSH D030342.

gnomAD v4.1: 1 of 1,612,864 alleles (0.000062%); highest among the groups gnomAD compares: Admixed American, 0.0017%; no homozygotes.

Submission:

Ambry Genetics
Classification: Uncertain significance for Inborn genetic diseases. Last evaluated: 2026-08-03. Review status: criteria provided, single submitter. Criteria: Ambry Variant Classification Scheme 2023. Collection method: clinical testing. Allele origin: germline.
Comment: The p.C520Y variant (also known as c.1559G>A), located in coding exon 10 of the ERCC6L2 gene, results from a G to A substitution at nucleotide position 1559. The cysteine at codon 520 is replaced by tyrosine, an amino acid with highly dissimilar properties. This amino acid position is conserved. In addition, this alteration is predicted to be tolerated by in silico analysis. Based on the available evidence, the clinical significance of this variant remains unclear.